The following is an entry in ClinVar:

ClinVar aggregate classification (germline): Likely benign (0 of 4 stars; one submission).

Conditions:
NUP93-related disorder. Also called: NUP93-related condition.

Allele frequency attached by ClinVar (database versions not stated): ExAC 0.00002; gnomAD exomes 0.00002; TOPMed 0.00002; gnomAD 0.00003.
gnomAD v4.1: 39 of 1,613,958 alleles (0.0024%); highest among the groups gnomAD compares: South Asian, 0.023%; no homozygotes.

Submission:

PreventionGenetics, part of Exact Sciences
Classification: Likely benign for NUP93-related condition. Last evaluated: 2020-06-18. Review status: no assertion criteria provided. Collection method: clinical testing. Allele origin: germline.
Comment: This variant is classified as likely benign based on ACMG/AMP sequence variant interpretation guidelines (Richards et al. 2015 PMID: 25741868, with internal and published modifications).

NM_014669.5(NUP93):c.1275C>T (p.Asp425=)

Gene: NUP93 (nucleoporin 93; plus strand). Cytogenetic location: 16q13.
Variant type: single nucleotide variant.
Coding change: c.1275C>T on transcript NM_014669.5 (MANE Select); coding-DNA position 1275, C replaced by T.
Protein change: p.Asp425=; no amino-acid change (aspartic acid 425 retained).
Molecular consequence: synonymous variant.
Genome position (GRCh38, 1-based): chr16:56,832,318, C>T. VCF-style: chr16-56832318-C-T. GRCh37 (hg19) VCF-style: chr16-56866230-C-T.
Other names: c.906C>T, p.Asp302= (NM_001242795.2, NM_001242796.2).
Identifiers: ClinVar variation 3036394 (VCV003036394.2), dbSNP rs747632520, ClinGen allele CA8068380.
Genomic context (GRCh38, chr16:56,832,318, plus strand): 5'-ATTTGTACCAATGCATGTGTTTCTCTTGGGGATTTAGTTGAACCAAGTGTGTTTTGACGA[C>T]GATGGCACCAGCTCCCCACAAGACAGGCTCACTCTCTCACAGTTCCAGAAGCAGTTGTTG-3'
Protein context (NP_055484.3, residues 415-435): WLKLNQVCFD[Asp425=]DGTSSPQDRL